The following is an entry in ClinVar:

NM_000553.6(WRN):c.1132G>A (p.Val378Ile)

Gene: WRN (WRN RecQ like helicase; plus strand). Cytogenetic location: 8p12.
Variant type: single nucleotide variant.
Coding change: c.1132G>A on transcript NM_000553.6 (MANE Select); coding-DNA position 1132, G replaced by A.
Protein change: p.Val378Ile; replaces valine 378 with isoleucine.
Molecular consequence: missense variant.
Genome position (GRCh38, 1-based): chr8:31,081,159, G>A. VCF-style: chr8-31081159-G-A. GRCh37 (hg19) VCF-style: chr8-30938675-G-A.
Other names: short protein forms V378I.
Identifiers: ClinVar variation 1511735 (VCV001511735.8), dbSNP rs1183420724, ClinGen allele CA370920881.

ClinVar aggregate classification (germline): Uncertain significance (1 of 4 stars; one submission).

Conditions:
Werner syndrome (WRN). Identifiers: Orphanet 902, MedGen C0043119, MONDO:0010196, OMIM 277700.

Allele frequency attached by ClinVar (database versions not stated): gnomAD exomes below 0.00001.
gnomAD v4.1: 5 of 1,614,020 alleles (0.00031%); highest among the groups gnomAD compares: Non-Finnish European, 0.00042%; no homozygotes.

Submission:

Labcorp Genetics (formerly Invitae), Labcorp
Classification: Uncertain significance for Werner syndrome. Last evaluated: 2023-05-01. Review status: criteria provided, single submitter. Criteria: Invitae Variant Classification Sherloc (09022015). Collection method: clinical testing. Allele origin: germline.
Comment: This sequence change replaces valine, which is neutral and non-polar, with isoleucine, which is neutral and non-polar, at codon 378 of the WRN protein (p.Val378Ile). This variant is present in population databases (no rsID available, gnomAD 0.0009%). This variant has not been reported in the literature in individuals affected with WRN-related conditions. ClinVar contains an entry for this variant (Variation ID: 1511735). Algorithms developed to predict the effect of missense changes on protein structure and function output the following: SIFT: "Not Available"; PolyPhen-2: "Benign"; Align-GVGD: "Not Available". The isoleucine amino acid residue is found in multiple mammalian species, which suggests that this missense change does not adversely affect protein function. In summary, the available evidence is currently insufficient to determine the role of this variant in disease. Therefore, it has been classified as a Variant of Uncertain Significance.